The following is an entry in ClinVar:

NM_001386393.1(PANK2):c.1152G>C (p.Leu384Phe)

Gene: PANK2 (pantothenate kinase 2; plus strand). Cytogenetic location: 20p13.
Variant type: single nucleotide variant.
Coding change: c.1152G>C on transcript NM_001386393.1 (MANE Select); coding-DNA position 1152, G replaced by C.
Protein change: p.Leu384Phe; replaces leucine 384 with phenylalanine.
Molecular consequence: missense variant. On other transcripts: non-coding transcript variant (1).
Genome position (GRCh38, 1-based): chr20:3,916,996, G>C. VCF-style: chr20-3916996-G-C. GRCh37 (hg19) VCF-style: chr20-3897643-G-C.
Other names: c.609G>C, p.Leu203Phe (NM_001324191.2, NM_024960.6, NM_153640.4); c.174G>C, p.Leu58Phe (NM_001324193.2); c.1482G>C, p.Leu494Phe (NM_153638.4); short protein forms L384F, L58F, L494F, L203F.
Identifiers: ClinVar variation 2012094 (VCV002012094.4), dbSNP rs772773892, ClinGen allele CA9750871.

ClinVar aggregate classification (germline): Uncertain significance (1 of 4 stars; one submission).

Conditions:
Pigmentary pallidal degeneration (NBIA1). Also called: PKAN NEUROAXONAL DYSTROPHY, JUVENILE-ONSET; Neuroaxonal dystrophy, late infantile; Hallervorden-Spatz disease; Neurodegeneration with brain iron accumulation 1; HARP SYNDROME; Pantothenate Kinase-Associated Neurodegeneration. Identifiers: Orphanet 157850, MedGen C0018523, MONDO:0009319, OMIM 234200.

Allele frequency attached by ClinVar (database versions not stated): gnomAD exomes below 0.00001; ExAC 0.00001.

Submission:

Labcorp Genetics (formerly Invitae), Labcorp
Classification: Uncertain significance for Pigmentary pallidal degeneration. Last evaluated: 2022-07-05. Review status: criteria provided, single submitter. Criteria: Invitae Variant Classification Sherloc (09022015). Collection method: clinical testing. Allele origin: germline.
Comment: In summary, the available evidence is currently insufficient to determine the role of this variant in disease. Therefore, it has been classified as a Variant of Uncertain Significance. Algorithms developed to predict the effect of missense changes on protein structure and function are either unavailable or do not agree on the potential impact of this missense change (SIFT: "Deleterious"; PolyPhen-2: "Probably Damaging"; Align-GVGD: "Class C0"). This variant has not been reported in the literature in individuals affected with PANK2-related conditions. This variant is present in population databases (rs772773892, gnomAD 0.003%). This sequence change replaces leucine, which is neutral and non-polar, with phenylalanine, which is neutral and non-polar, at codon 494 of the PANK2 protein (p.Leu494Phe).